The following is an entry in ClinVar:

NM_138694.4(PKHD1):c.55C>T (p.Arg19Cys)

Gene: PKHD1 (PKHD1 ciliary IPT domain containing fibrocystin/polyductin; minus strand). Cytogenetic location: 6p12.2.
Variant type: single nucleotide variant.
Coding change: c.55C>T on transcript NM_138694.4 (MANE Select); coding-DNA position 55, C replaced by T.
Protein change: p.Arg19Cys; replaces arginine 19 with cysteine.
Molecular consequence: missense variant.
Genome position (GRCh38, 1-based): chr6:52,083,253, G>A on the plus strand (C>T on the coding strand, the complement: PKHD1 is on the minus strand). VCF-style: chr6-52083253-G-A. GRCh37 (hg19) VCF-style: chr6-51948051-G-A.
Other names: c.55C>T, p.Arg19Cys (NM_170724.3); short protein forms R19C.
Identifiers: ClinVar variation 500969 (VCV000500969.13), dbSNP rs767379405, ClinGen allele CA3854050.
Genomic context (GRCh38, chr6:52,083,253, plus strand): 5'-TGATCCACGTTCCCCCTGCAAGGCTACCTTCTTCAGGTTCAATATGTAAACTCAGGTGAC[G>A]TACTGTAAGTAAGTGAAAAAAAACATTGGTTTTGAAGGTCAGATTCAAACCACTACCTTC-3'
Protein context (NP_619639.3, residues 9-29): MSIEVLLLAV[Arg19Cys]HLSLHIEPEE

ClinVar aggregate classification (germline): Uncertain significance. Review status: criteria provided, multiple submitters, no conflicts (2 of 4 stars). 6 submissions from 6 submitters: Uncertain significance (4). 2 of the submissions do not count toward it. Last evaluated 2024-06-05.

Conditions:
Polycystic kidney disease 4 (PKD4). Also called: Autosomal Recessive Polycystic Kidney Disease – PKHD1; POLYCYSTIC KIDNEY AND HEPATIC DISEASE 1; POLYCYSTIC KIDNEY DISEASE, INFANTILE, TYPE I; POLYCYSTIC KIDNEY DISEASE 4 WITH OR WITHOUT POLYCYSTIC LIVER DISEASE; PKD3. Identifiers: MedGen C4540575, MONDO:0033004, OMIM 263200.
Autosomal recessive polycystic kidney disease (ARPKD). Also called: AR polycystic kidney disease. Identifiers: Orphanet 731, Orphanet 8378, MedGen C0085548, MeSH D017044, MONDO:0009889.
PKHD1-related disorder. Also called: PKHD1-related condition.

Allele frequency attached by ClinVar (database versions not stated): ExAC 0.00002; gnomAD 0.00002; TOPMed 0.00002; gnomAD exomes 0.00004.
gnomAD v4.1: 30 of 1,594,660 alleles (0.0019%); highest among the groups gnomAD compares: East Asian, 0.018%; 1 homozygote.

Submissions (6):

Fulgent Genetics
Classification: Uncertain significance for Polycystic kidney disease 4. Last evaluated: 2024-06-05. Review status: criteria provided, single submitter. Criteria: ACMG Guidelines, 2015. Collection method: clinical testing. Allele origin: germline.

Labcorp Genetics (formerly Invitae), Labcorp
Classification: Uncertain significance for Autosomal recessive polycystic kidney disease. Last evaluated: 2022-07-19. Review status: criteria provided, single submitter. Criteria: Invitae Variant Classification Sherloc (09022015). Collection method: clinical testing. Allele origin: germline.
Comment: This sequence change replaces arginine, which is basic and polar, with cysteine, which is neutral and slightly polar, at codon 19 of the PKHD1 protein (p.Arg19Cys). This variant is present in population databases (rs767379405, gnomAD 0.04%). This missense change has been observed in individual(s) with polycystic kidney disease (PMID: 27225849). ClinVar contains an entry for this variant (Variation ID: 500969). Algorithms developed to predict the effect of missense changes on protein structure and function are either unavailable or do not agree on the potential impact of this missense change (SIFT: "Deleterious"; PolyPhen-2: "Benign"; Align-GVGD: "Class C0"). In summary, the available evidence is currently insufficient to determine the role of this variant in disease. Therefore, it has been classified as a Variant of Uncertain Significance.

Eurofins Ntd Llc (ga)
Classification: Uncertain significance. Last evaluated: 2018-06-21. Review status: criteria provided, single submitter. Criteria: EGL ClinVar v180209 classification definitions. Collection method: clinical testing. Allele origin: germline. Observed: 2 variant alleles, 2 heterozygotes.

Juno Genomics, Hangzhou Juno Genomics, Inc
Classification: Uncertain significance for Polycystic kidney disease 4. Review status: criteria provided, single submitter. Criteria: ACMG Guidelines, 2015. Collection method: clinical testing. Allele origin: germline.
Comment: Absent from controls (or at extremely low frequency if recessive) in Genome Aggregation Database.;Multiple lines of computational evidence suggest no impact on gene or gene product.;For recessive disorders, detected in trans with a pathogenic variant.

PreventionGenetics, part of Exact Sciences
Classification: Uncertain significance for PKHD1-related condition. Last evaluated: 2024-03-15. Review status: no assertion criteria provided. Collection method: clinical testing. Allele origin: germline. Not counted in ClinVar's aggregate classification.
Comment: The PKHD1 c.55C>T variant is predicted to result in the amino acid substitution p.Arg19Cys. This variant was reported in the compound heterozygous state with another rare missense variant in an individual with polycystic kidney disease (Gao M et al 2023. PubMed ID: 36685964). This variant is reported in 0.035% of alleles in individuals of East Asian descent in gnomAD. At this time, the clinical significance of this variant is uncertain due to the absence of conclusive functional and genetic evidence.

Counsyl
Classification: Uncertain significance for Polycystic kidney disease 4. Last evaluated: 2017-01-17. Review status: no assertion criteria provided. Collection method: clinical testing. Allele origin: unknown. Not counted in ClinVar's aggregate classification.

Literature cited by the submitters: PubMed 27225849 (cited by Labcorp Genetics (formerly Invitae), Labcorp and Counsyl).